The following is an entry in ClinVar:

ClinVar aggregate classification (germline): Uncertain significance (1 of 4 stars; one submission).

Submission:

GeneDx
Classification: Uncertain significance. Last evaluated: 2024-08-02. Review status: criteria provided, single submitter. Criteria: GeneDx Variant Classification Process June 2021. Collection method: clinical testing. Allele origin: germline. Affected: yes.
Comment: Not observed at significant frequency in large population cohorts (gnomAD); In silico analysis indicates that this missense variant does not alter protein structure/function; Has not been previously published as pathogenic or benign to our knowledge

NM_003900.5(SQSTM1):c.1156C>A (p.Leu386Ile)

Gene: SQSTM1 (sequestosome 1; plus strand). Cytogenetic location: 5q35.3.
Variant type: single nucleotide variant.
Coding change: c.1156C>A on transcript NM_003900.5 (MANE Select); coding-DNA position 1156, C replaced by A.
Protein change: p.Leu386Ile; replaces leucine 386 with isoleucine.
Molecular consequence: missense variant.
Genome position (GRCh38, 1-based): chr5:179,833,773, C>A. VCF-style: chr5-179833773-C-A. GRCh37 (hg19) VCF-style: chr5-179260773-C-A.
Other names: c.904C>A, p.Leu302Ile (NM_001142298.2, NM_001142299.2); short protein forms L302I, L386I.
Identifiers: ClinVar variation 3603113 (VCV003603113.1).